The following is an entry in ClinVar:

ClinVar aggregate classification (germline): Likely benign (1 of 4 stars; one submission).

Submission:

GeneDx
Classification: Likely benign. Last evaluated: 2017-06-09. Review status: criteria provided, single submitter. Criteria: GeneDx Variant Classification (06012015). Collection method: clinical testing. Allele origin: germline. Affected: yes.
Comment: This variant is considered likely benign or benign based on one or more of the following criteria: it is a conservative change, it occurs at a poorly conserved position in the protein, it is predicted to be benign by multiple in silico algorithms, and/or has population frequency not consistent with disease.

NM_000093.5(COL5A1):c.5100G>T (p.Pro1700=)

Genes: COL5A1 (collagen type V alpha 1 chain; plus strand), LOC101448202 (uncharacterized LOC101448202; minus strand). Cytogenetic location: 9q34.3.
Variant type: single nucleotide variant.
Coding change: c.5100G>T on transcript NM_000093.5 (MANE Select); coding-DNA position 5100, G replaced by T.
Protein change: p.Pro1700=; no amino-acid change (proline 1700 retained).
Molecular consequence: synonymous variant. On other transcripts: intron variant (1).
Genome position (GRCh38, 1-based): chr9:134,830,008, G>T. VCF-style: chr9-134830008-G-T. GRCh37 (hg19) VCF-style: chr9-137721854-G-T.
Other names: c.5068-100G>T (NM_001278074.1).
Identifiers: ClinVar variation 517923 (VCV000517923.1), dbSNP rs371875408, ClinGen allele CA467666511.
Genomic context (GRCh38, chr9:134,830,008, plus strand): 5'-CCTCCCCACCTCCCCGCTGCATGTTTAGGCCAGAATCACTTCTTGGCCCAAAGAAAACCC[G>T]GGCTCCTGGTTCAGTGAATTCAAGCGTGGGAAACTGGTAAGGTGGCCTCTGGCGTCTTTG-3'
Protein context (NP_000084.3, residues 1690-1710): ARITSWPKEN[Pro1700=]GSWFSEFKRG